The following is an entry in ClinVar:

NM_001377.3(DYNC2H1):c.11494-287A>G

Gene: DYNC2H1 (dynein cytoplasmic 2 heavy chain 1; plus strand). Cytogenetic location: 11q22.3.
Variant type: single nucleotide variant.
Coding change: c.11494-287A>G on transcript NM_001377.3 (MANE Select); 287 bases into the intron before coding-DNA position 11494, A replaced by G.
Molecular consequence: intron variant.
Genome position (GRCh38, 1-based): chr11:103,311,591, A>G. VCF-style: chr11-103311591-A-G. GRCh37 (hg19) VCF-style: chr11-103182320-A-G.
Other names: c.11515-287A>G (NM_001080463.2).
Identifiers: ClinVar variation 669923 (VCV000669923.1), dbSNP rs3802831, ClinGen allele CA227429171.

ClinVar aggregate classification (germline): Benign (1 of 4 stars; one submission).

Allele frequency attached by ClinVar (database versions not stated): 1000 Genomes Project 0.32548; 1000 Genomes Project 30x 0.32698; TOPMed 0.35956; gnomAD 0.36425 and 0.36629.
gnomAD v4.1: 55,309 of 151,796 alleles (36%); highest among the groups gnomAD compares: Middle Eastern, 43%; 10,523 homozygotes.

Submission:

GeneDx
Classification: Benign. Last evaluated: 2018-06-14. Review status: criteria provided, single submitter. Criteria: GeneDx Variant Classification (06012015). Collection method: clinical testing. Allele origin: germline. Affected: yes.
Comment: This variant is considered likely benign or benign based on one or more of the following criteria: it is a conservative change, it occurs at a poorly conserved position in the protein, it is predicted to be benign by multiple in silico algorithms, and/or has population frequency not consistent with disease.